The following is an entry in ClinVar:

NM_000021.4(PSEN1):c.*3566A>G

Gene: PSEN1 (presenilin 1; plus strand). Cytogenetic location: 14q24.2.
Variant type: single nucleotide variant.
Coding change: c.*3566A>G on transcript NM_000021.4 (MANE Select); 3566 bases downstream of the stop codon, A replaced by G.
Molecular consequence: 3 prime UTR variant.
Genome position (GRCh38, 1-based): chr14:73,222,855, A>G. VCF-style: chr14-73222855-A-G. GRCh37 (hg19) VCF-style: chr14-73689563-A-G.
Other names: c.*3566A>G (NM_007318.3).
Identifiers: ClinVar variation 886681 (VCV000886681.5), dbSNP rs74061007, ClinGen allele CA262622342.

ClinVar aggregate classification (germline): Benign/Likely benign. Review status: criteria provided, multiple submitters, no conflicts (2 of 4 stars). 3 submissions from 2 submitters: Benign (1); Likely benign (2). Last evaluated 2018-01-12.

Conditions:
Dilated cardiomyopathy 1U. Identifiers: Orphanet 154, MedGen C3160720, MONDO:0013371, OMIM 613694.
Alzheimer disease 3 (AD3). Also called: ALZHEIMER DISEASE, FAMILIAL, 3. Identifiers: Orphanet 1020, MedGen C1843013, MONDO:0011913, OMIM 607822.

Allele frequency attached by ClinVar (database versions not stated): gnomAD 0.00704 and 0.00746; 1000 Genomes Project 0.00779; TOPMed 0.00809; 1000 Genomes Project 30x 0.00859.

Submissions (3):

Illumina Laboratory Services, Illumina
Classification: Benign for Alzheimer disease 3. Last evaluated: 2018-01-12. Review status: criteria provided, single submitter. Criteria: ICSL Variant Classification Criteria 13 December 2019. Collection method: clinical testing. Allele origin: germline.
Comment: This variant was observed in the ICSL laboratory as part of a predisposition screen in an ostensibly healthy population. It had not been previously curated by ICSL or reported in the Human Gene Mutation Database (HGMD: prior to June 1st, 2018), and was therefore a candidate for classification through an automated scoring system. Utilizing variant allele frequency, disease prevalence and penetrance estimates, and inheritance mode, an automated score was calculated to assess if this variant is too frequent to cause the disease. Based on the score and internal cut-off values, a variant classified as benign is not then subjected to further curation. The score for this variant resulted in a classification of benign for this disease.

Illumina Laboratory Services, Illumina
Classification: Likely benign for Dilated cardiomyopathy 1U. Last evaluated: 2018-01-12. Review status: criteria provided, single submitter. Criteria: ICSL Variant Classification Criteria 13 December 2019. Collection method: clinical testing. Allele origin: germline.
Comment: This variant was observed in the ICSL laboratory as part of a predisposition screen in an ostensibly healthy population. It had not been previously curated by ICSL or reported in the Human Gene Mutation Database (HGMD: prior to June 1st, 2018), and was therefore a candidate for classification through an automated scoring system. Utilizing variant allele frequency, disease prevalence and penetrance estimates, and inheritance mode, an automated score was calculated to assess if this variant is too frequent to cause the disease. Based on the score and internal cut-off values, a variant classified as likely benign is not then subjected to further curation. The score for this variant resulted in a classification of likely benign for this disease.

Breakthrough Genomics
Classification: Likely benign. Review status: criteria provided, single submitter. Criteria: ACMG Guidelines, 2015. Collection method: not provided. Allele origin: germline. Inheritance: Autosomal dominant inheritance. Affected: yes.